The following is an entry in ClinVar:

NM_012208.4(HARS2):c.1273C>T (p.Arg425Trp)

Gene: HARS2 (histidyl-tRNA synthetase 2, mitochondrial; plus strand). Cytogenetic location: 5q31.3.
Variant type: single nucleotide variant.
Coding change: c.1273C>T on transcript NM_012208.4 (MANE Select); coding-DNA position 1273, C replaced by T.
Protein change: p.Arg425Trp; replaces arginine 425 with tryptophan.
Molecular consequence: missense variant.
Genome position (GRCh38, 1-based): chr5:140,697,644, C>T. VCF-style: chr5-140697644-C-T. GRCh37 (hg19) VCF-style: chr5-140077229-C-T.
Other names: c.1198C>T, p.Arg400Trp (NM_001278731.2); c.841C>T, p.Arg281Trp (NM_001278732.2); c.1291C>T, p.Arg431Trp (NM_001363535.2); c.1063C>T, p.Arg355Trp (NM_001363536.2); c.1273C>T (NM_012208.2); short protein forms R281W, R355W, R400W, R425W, R431W.
Identifiers: ClinVar variation 2446360 (VCV002446360.3), dbSNP rs563477361, ClinGen allele CA3444659.

ClinVar aggregate classification (germline): Conflicting classifications of pathogenicity. Review status: criteria provided, conflicting classifications (1 of 4 stars). 2 submissions from 2 submitters: Likely pathogenic (1); Uncertain significance (1). Last evaluated 2026-04-01.

Conditions:
Perrault syndrome 2 (PRLTS2). Identifiers: Orphanet 2855, Orphanet 642976, MedGen C3554105, MONDO:0013972, OMIM 614926.

Allele frequency attached by ClinVar (database versions not stated): gnomAD exomes 0.00001; gnomAD 0.00002; ExAC 0.00002; 1000 Genomes Project 30x 0.00031; TOPMed 0.00002; 1000 Genomes Project 0.00020.
gnomAD v4.1: 16 of 1,613,678 alleles (0.00099%); highest among the groups gnomAD compares: Middle Eastern, 0.017%; no homozygotes.

Submissions (2):

GeneDx
Classification: Uncertain significance. Last evaluated: 2026-04-01. Review status: criteria provided, single submitter. Criteria: GeneDx Variant Classification Process June 2021. Collection method: clinical testing. Allele origin: germline.
Comment: Not observed at significant frequency in large population cohorts (gnomAD); In silico analysis supports that this missense variant has a deleterious effect on protein structure/function; This variant is associated with the following publications: (PMID: 38186093, 36979683)

Precision Medicine Center, Zhengzhou University
Classification: Likely pathogenic for Perrault syndrome 2. Review status: criteria provided, single submitter. Criteria: ACMG Guidelines, 2015. Collection method: research. Allele origin: germline. Affected: yes.